The following is an entry in ClinVar:

ClinVar aggregate classification (germline): Uncertain significance (1 of 4 stars; one submission).

Conditions:
Cohen syndrome (COH1). Also called: PEPPER SYNDROME; Cutis verticis gyrata, retinitis pigmentosa, and sensorineural deafness. Identifiers: Orphanet 193, MedGen C0265223, MONDO:0008999, OMIM 216550.

Allele frequency attached by ClinVar (database versions not stated): gnomAD exomes below 0.00001; ExAC 0.00001.
gnomAD v4.1: 2 of 1,613,172 alleles (0.00012%); highest among the groups gnomAD compares: South Asian, 0.0011%; no homozygotes.

Submission:

Labcorp Genetics (formerly Invitae), Labcorp
Classification: Uncertain significance for Cohen syndrome. Last evaluated: 2024-10-22. Review status: criteria provided, single submitter. Criteria: Invitae Variant Classification Sherloc (09022015). Collection method: clinical testing. Allele origin: germline.
Comment: This sequence change replaces threonine with isoleucine at codon 475 of the VPS13B protein (p.Thr475Ile). The threonine residue is weakly conserved and there is a moderate physicochemical difference between threonine and isoleucine. This variant is present in population databases (rs765774825, gnomAD 0.003%). This variant has not been reported in the literature in individuals affected with VPS13B-related conditions. ClinVar contains an entry for this variant (Variation ID: 1375602). An algorithm developed to predict the effect of missense changes on protein structure and function (PolyPhen-2) suggests that this variant is likely to be tolerated. In summary, the available evidence is currently insufficient to determine the role of this variant in disease. Therefore, it has been classified as a Variant of Uncertain Significance.

NM_152564.5(VPS13B):c.1424C>T (p.Thr475Ile)

Gene: VPS13B (vacuolar protein sorting 13 homolog B; plus strand). Cytogenetic location: 8q22.2.
Variant type: single nucleotide variant.
Coding change: c.1424C>T on transcript NM_152564.5 (MANE Select); coding-DNA position 1424, C replaced by T.
Protein change: p.Thr475Ile; replaces threonine 475 with isoleucine.
Molecular consequence: missense variant.
Genome position (GRCh38, 1-based): chr8:99,135,136, C>T. VCF-style: chr8-99135136-C-T. GRCh37 (hg19) VCF-style: chr8-100147364-C-T.
Other names: c.1424C>T, p.Thr475Ile (NM_015243.3, NM_017890.5); short protein forms T475I.
Identifiers: ClinVar variation 1375602 (VCV001375602.6), dbSNP rs765774825, ClinGen allele CA4822620.
Genomic context (GRCh38, chr8:99,135,136, plus strand): 5'-TGTGCCTTAAAGGAATTATGGGTGTTAAAGATTTTGAAGAGAATATGAATAGAAGTGAAA[C>T]TGTAAGTCCGTTTCCTCCATCCTTTTTTGGATAGGATATAGGAATAATTAAGTGCTTACT-3'
Protein context (NP_689777.3, residues 465-485): DFEENMNRSE[Thr475Ile]EACFFICGDN